The following is an entry in ClinVar:

ClinVar aggregate classification (germline): Conflicting classifications of pathogenicity. Review status: criteria provided, conflicting classifications (1 of 4 stars). 10 submissions from 10 submitters: Likely pathogenic (2); Uncertain significance (6). 2 of the submissions do not count toward it. Last evaluated 2025-10-01.

Conditions:
Cystic fibrosis (CF). Also called: MUCOVISCIDOSIS. Identifiers: Orphanet 586, MedGen C0010674, MONDO:0009061, OMIM 219700. Disease mechanism: loss of function.
Congenital bilateral aplasia of vas deferens from CFTR mutation (CBAVD). Identifiers: Orphanet 48, MedGen C0403814, MONDO:0010178, OMIM 277180. Disease mechanism: loss of function.
Hereditary pancreatitis (PCTT). Also called: Hereditary chronic pancreatitis; PRSS1-Related Hereditary Pancreatitis. Identifiers: Orphanet 676, MedGen C0238339, MONDO:0008185, OMIM 167800.

Allele frequency attached by ClinVar (database versions not stated): ExAC 0.00001; gnomAD 0.00001.
gnomAD v4.1: 31 of 1,613,808 alleles (0.0019%); highest among the groups gnomAD compares: African/African-American, 0.004%; no homozygotes.

Submissions (10):

Women's Health and Genetics/Laboratory Corporation of America, LabCorp
Classification: Uncertain significance. Last evaluated: 2025-10-01. Review status: criteria provided, single submitter. Criteria: LabCorp Variant Classification Summary - May 2015. Collection method: clinical testing. Allele origin: germline.
Comment: Variant summary: CFTR c.1039C>T (p.Arg347Cys) results in a non-conservative amino acid change located in the ABC transporter type 1, transmembrane domain (IPR011527) of the encoded protein sequence. Algorithms developed to predict the effect of missense changes on protein structure and function all suggest that this variant is likely to be disruptive. The variant allele was found at a frequency of 1.2e-05 in 251162 control chromosomes. c.1039C>T has been reported in the literature in individuals affected with Cystic Fibrosis (Koch 2001, Ravnik-Glavac 2002), however the exact phenotype and the variants found in trans were not specified. A CFTR locus specific database (CFTR-France) lists the variant to be found in an individual affected by CFTR-RD (bronchiectasis). These data indicate that the variant may be associated with disease. Other variants affecting the same codon has been classified as pathogenic by our lab (p.Arg347His, p.Arg347Leu, p.Arg347Pro) . At least one publication reports experimental evidence evaluating an impact on protein function, demonstrating defective conductance, however, this report does not allow convincing conclusions about the variant effect (Cotton 1999). This data is insufficient to allow convincing conclusions about the variant's impact at this time.The following publications have been ascertained in the context of this evaluation (PMID: 11933191, 25880441, 11180668, 10026154). 3ClinVar contains an entry for this variant (Variation ID: 53172). Based on the evidence outlined above, the variant was classified as VUS-possibly pathogenic.

Ambry Genetics
Classification: Uncertain significance for Cystic fibrosis. Last evaluated: 2025-04-21. Review status: criteria provided, single submitter. Criteria: Ambry Variant Classification Scheme 2023. Collection method: clinical testing. Allele origin: germline.
Comment: The p.R347C variant (also known as c.1039C>T), located in coding exon 8 of the CFTR gene, results from a C to T substitution at nucleotide position 1039. The arginine at codon 347 is replaced by cysteine, an amino acid with highly dissimilar properties. This amino acid position is highly conserved in available vertebrate species. In addition, this alteration is predicted to be deleterious by in silico analysis. Based on the available evidence, the clinical significance of this variant remains unclear.

Labcorp Genetics (formerly Invitae), Labcorp
Classification: Uncertain significance for Cystic fibrosis. Last evaluated: 2024-05-15. Review status: criteria provided, single submitter. Criteria: Invitae Variant Classification Sherloc (09022015). Collection method: clinical testing. Allele origin: germline.
Comment: This sequence change replaces arginine, which is basic and polar, with cysteine, which is neutral and slightly polar, at codon 347 of the CFTR protein (p.Arg347Cys). This variant is present in population databases (rs397508147, gnomAD 0.01%). This missense change has been observed in individual(s) with CFTR-related conditions (PMID: 7526685). ClinVar contains an entry for this variant (Variation ID: 53172). Advanced modeling of protein sequence and biophysical properties (such as structural, functional, and spatial information, amino acid conservation, physicochemical variation, residue mobility, and thermodynamic stability) performed at Invitae indicates that this missense variant is expected to disrupt CFTR protein function with a positive predictive value of 80%. Experimental studies have shown that this missense change does not substantially affect CFTR function (PMID: 36552859). This variant disrupts the p.Arg347 amino acid residue in CFTR. Other variant(s) that disrupt this residue have been determined to be pathogenic (PMID: 15371902, 23974870). This suggests that this residue is clinically significant, and that variants that disrupt this residue are likely to be disease-causing. In summary, the available evidence is currently insufficient to determine the role of this variant in disease. Therefore, it has been classified as a Variant of Uncertain Significance.

Blueprint Genetics
Classification: Uncertain significance. Last evaluated: 2023-02-13. Review status: criteria provided, single submitter. Criteria: ACMG Guidelines, 2015. Collection method: clinical testing. Allele origin: germline.

Mendelics
Classification: Likely pathogenic for Hereditary pancreatitis. Last evaluated: 2022-05-04. Review status: criteria provided, single submitter. Criteria: Mendelics Assertion Criteria 2019. Collection method: clinical testing. Allele origin: germline.

Genome-Nilou Lab
Classification: Uncertain significance for Cystic fibrosis. Last evaluated: 2021-09-05. Review status: criteria provided, single submitter. Criteria: ACMG Guidelines, 2015. Collection method: clinical testing. Allele origin: germline. Affected: no.

Eurofins Ntd Llc (ga)
Classification: Uncertain significance. Last evaluated: 2017-09-27. Review status: criteria provided, single submitter. Criteria: EGL Classification Definitions 2015. Collection method: clinical testing. Allele origin: germline. Observed: 1 variant allele, 1 heterozygote.

Juno Genomics, Hangzhou Juno Genomics, Inc
Classification: Likely pathogenic for Congenital bilateral aplasia of vas deferens from CFTR mutation; Cystic fibrosis. Review status: criteria provided, single submitter. Criteria: ACMG Guidelines, 2015. Collection method: clinical testing. Allele origin: germline.
Comment: Absent from controls (or at extremely low frequency if recessive) in Genome Aggregation Database.;Novel missense change at an amino acid residue where a different missense change determined to be pathogenic has been seen before.;Multiple lines of computational evidence support a deleterious effect on the gene or gene product.

Natera, Inc.
Classification: Uncertain significance for Cystic Fibrosis. Last evaluated: 2020-09-16. Review status: no assertion criteria provided. Collection method: clinical testing. Allele origin: germline. Not counted in ClinVar's aggregate classification.

ClinVar Staff, National Center for Biotechnology Information (NCBI)
No classification provided. Condition: CFTR-related disorders. Review status: no classification provided. Collection method: literature only. Allele origin: germline. Affected: yes. Not counted in ClinVar's aggregate classification.

Literature cited by the submitters: PubMed 11933191 (cited by Women's Health and Genetics/Laboratory Corporation of America, LabCorp); PubMed 25880441 (cited by Women's Health and Genetics/Laboratory Corporation of America, LabCorp); PubMed 11180668 (cited by Women's Health and Genetics/Laboratory Corporation of America, LabCorp and ClinVar Staff, National Center for Biotechnology Information (NCBI)); PubMed 10026154 (cited by Women's Health and Genetics/Laboratory Corporation of America, LabCorp); PubMed 7526685 (cited by Labcorp Genetics (formerly Invitae), Labcorp); PubMed 36552859 (cited by Labcorp Genetics (formerly Invitae), Labcorp); PubMed 15371902 (cited by Labcorp Genetics (formerly Invitae), Labcorp); PubMed 23974870 (cited by Labcorp Genetics (formerly Invitae), Labcorp).

NM_000492.4(CFTR):c.1039C>T (p.Arg347Cys)

Gene: CFTR (CF transmembrane conductance regulator; plus strand). Cytogenetic location: 7q31.2.
Variant type: single nucleotide variant.
Coding change: c.1039C>T on transcript NM_000492.4 (MANE Select); coding-DNA position 1039, C replaced by T.
Protein change: p.Arg347Cys; replaces arginine 347 with cysteine.
Molecular consequence: missense variant.
Genome position (GRCh38, 1-based): chr7:117,540,269, C>T. VCF-style: chr7-117540269-C-T. GRCh37 (hg19) VCF-style: chr7-117180323-C-T.
Other names: short protein forms R347C.
Identifiers: ClinVar variation 53172 (VCV000053172.20), dbSNP rs397508147, ClinGen allele CA326373.